The following is an entry in ClinVar:

NM_001999.4(FBN2):c.6250C>T (p.Pro2084Ser)

Gene: FBN2 (fibrillin 2; minus strand). Cytogenetic location: 5q23.3.
Variant type: single nucleotide variant.
Coding change: c.6250C>T on transcript NM_001999.4 (MANE Select); coding-DNA position 6250, C replaced by T.
Protein change: p.Pro2084Ser; replaces proline 2084 with serine.
Molecular consequence: missense variant.
Genome position (GRCh38, 1-based): chr5:128,291,571, G>A on the plus strand (C>T on the coding strand, the complement: FBN2 is on the minus strand). VCF-style: chr5-128291571-G-A. GRCh37 (hg19) VCF-style: chr5-127627263-G-A.
Other names: short protein forms P2084S.
Identifiers: ClinVar variation 944067 (VCV000944067.10), dbSNP rs868031420, ClinGen allele CA127035358.

ClinVar aggregate classification (germline): Uncertain significance (1 of 4 stars; one submission).

Conditions:
Congenital contractural arachnodactyly (CCA). Also called: BEALS SYNDROME; Arthrogryposis, distal, type 9; Beals-Hecht syndrome. Identifiers: Orphanet 115, MedGen C0220668, MONDO:0007363, OMIM 121050.

Allele frequency attached by ClinVar (database versions not stated): TOPMed 0.00001; gnomAD 0.00002.
gnomAD v4.1: 6 of 1,613,788 alleles (0.00037%); highest among the groups gnomAD compares: African/African-American, 0.0053%; no homozygotes.

Submission:

Labcorp Genetics (formerly Invitae), Labcorp
Classification: Uncertain significance for Congenital contractural arachnodactyly. Last evaluated: 2025-09-07. Review status: criteria provided, single submitter. Criteria: Invitae Variant Classification Sherloc (09022015). Collection method: clinical testing. Allele origin: germline.
Comment: This sequence change replaces proline, which is neutral and non-polar, with serine, which is neutral and polar, at codon 2084 of the FBN2 protein (p.Pro2084Ser). This variant is not present in population databases (gnomAD no frequency). This variant has not been reported in the literature in individuals affected with FBN2-related conditions. ClinVar contains an entry for this variant (Variation ID: 944067). Invitae Evidence Modeling of protein sequence and biophysical properties (such as structural, functional, and spatial information, amino acid conservation, physicochemical variation, residue mobility, and thermodynamic stability) indicates that this missense variant is not expected to disrupt FBN2 protein function with a negative predictive value of 80%. In summary, the available evidence is currently insufficient to determine the role of this variant in disease. Therefore, it has been classified as a Variant of Uncertain Significance.